The following is an entry in ClinVar:

NM_001127898.4(CLCN5):c.329G>A (p.Ser110Asn)

Gene: CLCN5 (chloride voltage-gated channel 5; plus strand). Cytogenetic location: Xp11.23.
Variant type: single nucleotide variant.
Coding change: c.329G>A on transcript NM_001127898.4 (MANE Select); coding-DNA position 329, G replaced by A.
Protein change: p.Ser110Asn; replaces serine 110 with asparagine.
Molecular consequence: missense variant.
Genome position (GRCh38, 1-based): chrX:50,072,502, G>A. VCF-style: chrX-50072502-G-A. GRCh37 (hg19) VCF-style: chrX-49837157-G-A.
Other names: c.119G>A, p.Ser40Asn (NM_000084.5); c.329G>A, p.Ser110Asn (NM_001127899.4); c.179G>A, p.Ser60Asn (NM_001282163.2); short protein forms S110N, S40N, S60N.
Identifiers: ClinVar variation 2005322 (VCV002005322.4), dbSNP rs2519401490, ClinGen allele CA413182232.

ClinVar aggregate classification (germline): Uncertain significance (1 of 4 stars; one submission).

Submission:

Labcorp Genetics (formerly Invitae), Labcorp
Classification: Uncertain significance. Last evaluated: 2022-06-12. Review status: criteria provided, single submitter. Criteria: Invitae Variant Classification Sherloc (09022015). Collection method: clinical testing. Allele origin: germline.
Comment: In summary, the available evidence is currently insufficient to determine the role of this variant in disease. Therefore, it has been classified as a Variant of Uncertain Significance. Algorithms developed to predict the effect of missense changes on protein structure and function are either unavailable or do not agree on the potential impact of this missense change (SIFT: "Tolerated"; PolyPhen-2: "Probably Damaging"; Align-GVGD: "Class C0"). This variant has not been reported in the literature in individuals affected with CLCN5-related conditions. This variant is not present in population databases (gnomAD no frequency). This sequence change replaces serine, which is neutral and polar, with asparagine, which is neutral and polar, at codon 40 of the CLCN5 protein (p.Ser40Asn).